The following is an entry in ClinVar:

ClinVar aggregate classification (germline): Uncertain significance. Review status: criteria provided, multiple submitters, no conflicts (2 of 4 stars). 2 submissions from 2 submitters: Uncertain significance (2). Last evaluated 2025-02-22.

Conditions:
Inborn genetic diseases. Identifiers: MedGen C0950123, MeSH D030342.

Submissions (2):

Ambry Genetics
Classification: Uncertain significance for Inborn genetic diseases. Last evaluated: 2025-02-22. Review status: criteria provided, single submitter. Criteria: Ambry Variant Classification Scheme 2023. Collection method: clinical testing. Allele origin: germline.
Comment: The p.I1406F variant (also known as c.4216A>T) is located in coding exon 30 of the ANKRD26 gene. The isoleucine at codon 1406 is replaced by phenylalanine, an amino acid with highly similar properties. This change occurs in the first base pair of coding exon 30. This amino acid position is conserved. In addition, this alteration is predicted to be tolerated by in silico analysis. Based on the available evidence, the clinical significance of this variant remains unclear.

Labcorp Genetics (formerly Invitae), Labcorp
Classification: Uncertain significance. Last evaluated: 2024-05-23. Review status: criteria provided, single submitter. Criteria: Invitae Variant Classification Sherloc (09022015). Collection method: clinical testing. Allele origin: germline.
Comment: This sequence change replaces isoleucine, which is neutral and non-polar, with phenylalanine, which is neutral and non-polar, at codon 1406 of the ANKRD26 protein (p.Ile1406Phe). This variant is not present in population databases (gnomAD no frequency). This variant has not been reported in the literature in individuals affected with ANKRD26-related conditions. An algorithm developed to predict the effect of missense changes on protein structure and function (PolyPhen-2) suggests that this variant is likely to be disruptive. In summary, the available evidence is currently insufficient to determine the role of this variant in disease. Therefore, it has been classified as a Variant of Uncertain Significance.

NM_014915.3(ANKRD26):c.4216A>T (p.Ile1406Phe)

Gene: ANKRD26 (ankyrin repeat domain 26; minus strand). Cytogenetic location: 10p12.1.
Variant type: single nucleotide variant.
Coding change: c.4216A>T on transcript NM_014915.3 (MANE Select); coding-DNA position 4216, A replaced by T.
Protein change: p.Ile1406Phe; replaces isoleucine 1406 with phenylalanine.
Molecular consequence: missense variant.
Genome position (GRCh38, 1-based): chr10:27,017,792, T>A on the plus strand (A>T on the coding strand, the complement: ANKRD26 is on the minus strand). VCF-style: chr10-27017792-T-A. GRCh37 (hg19) VCF-style: chr10-27306721-T-A.
Other names: c.4213A>T, p.Ile1405Phe (NM_001256053.2); short protein forms I1405F, I1406F.
Identifiers: ClinVar variation 2890534 (VCV002890534.4), dbSNP rs2538575004, ClinGen allele CA376358357.